The following is an entry in ClinVar:

ClinVar aggregate classification (germline): Uncertain significance (1 of 4 stars; one submission).

Conditions:
Inborn genetic diseases. Identifiers: MedGen C0950123, MeSH D030342.

Submission:

Ambry Genetics
Classification: Uncertain significance for Inborn genetic diseases. Last evaluated: 2021-12-11. Review status: criteria provided, single submitter. Criteria: Ambry Variant Classification Scheme 2023. Collection method: clinical testing. Allele origin: germline.
Comment: The p.E460V variant (also known as c.1379A>T), located in coding exon 10 of the ACD gene, results from an A to T substitution at nucleotide position 1379. The glutamic acid at codon 460 is replaced by valine, an amino acid with dissimilar properties. This amino acid position is conserved. In addition, this alteration is predicted to be tolerated by in silico analysis. Since supporting evidence is limited at this time, the clinical significance of this alteration remains unclear.

NM_001082486.2(ACD):c.1121A>T (p.Glu374Val)

Gene: ACD (ACD shelterin complex subunit and telomerase recruitment factor; minus strand). Cytogenetic location: 16q22.1.
Variant type: single nucleotide variant.
Coding change: c.1121A>T on transcript NM_001082486.2 (MANE Select); coding-DNA position 1121, A replaced by T.
Protein change: p.Glu374Val; replaces glutamic acid 374 with valine.
Molecular consequence: missense variant.
Genome position (GRCh38, 1-based): chr16:67,658,071, T>A on the plus strand (A>T on the coding strand, the complement: ACD is on the minus strand). VCF-style: chr16-67658071-T-A. GRCh37 (hg19) VCF-style: chr16-67691974-T-A.
Other names: c.1034A>T, p.Glu345Val (NM_001410884.1); c.1112A>T, p.Glu371Val (NM_022914.3); short protein forms E371V, E374V, E345V.
Identifiers: ClinVar variation 1771230 (VCV001771230.2), dbSNP rs2543598542, ClinGen allele CA396352012.